The following is an entry in ClinVar:

ClinVar aggregate classification (germline): Uncertain significance. Review status: criteria provided, multiple submitters, no conflicts (2 of 4 stars). 2 submissions from 2 submitters: Uncertain significance (2). Last evaluated 2023-11-27.

Conditions:
Long QT syndrome (LQTS). Identifiers: MedGen C0023976, MeSH D008133, MONDO:0002442. Disease mechanism: loss of function. Inheritance: Various modes of inheritance.
Long QT syndrome 9 (LQT9). Identifiers: Orphanet 101016, Orphanet 768, MedGen C2678485, MONDO:0012736, OMIM 611818.
Hypertrophic cardiomyopathy 1 (CMH1). Also called: MYH7-Related Familial Hypertrophic Cardiomyopathy; Familial hypertrophic cardiomyopathy 1. Identifiers: MedGen C3495498, MONDO:0008647, OMIM 192600.
Distal myopathy, Tateyama type (MPDT). Also called: CAV3-Related Distal Myopathy. Identifiers: Orphanet 488650, MedGen C3280443, MONDO:0013686, OMIM 614321.
Rippling muscle disease 2 (RMD2). Also called: CAV3-Related Rippling Muscle Disease; Limb-girdle muscular dystrophy, type 1C. Identifiers: Orphanet 265, MedGen C1832560, MONDO:0019947, OMIM 606072.
Elevated circulating creatine kinase activity. Also called: Elevated creatine kinase; Elevated serum creatine phosphokinase; Elevated circulating creatine kinase concentration. Identifiers: MedGen C0241005, HP:0003236.

Allele frequency attached by ClinVar (database versions not stated): gnomAD exomes below 0.00001; gnomAD 0.00001; ESP Exome Variant Server 0.00008.
gnomAD v4.1: 7 of 1,614,000 alleles (0.00043%); highest among the groups gnomAD compares: African/African-American, 0.0013%; no homozygotes.

Submissions (2):

Labcorp Genetics (formerly Invitae), Labcorp
Classification: Uncertain significance for Long QT syndrome. Last evaluated: 2023-11-27. Review status: criteria provided, single submitter. Criteria: Invitae Variant Classification Sherloc (09022015). Collection method: clinical testing. Allele origin: germline.
Comment: This sequence change replaces proline, which is neutral and non-polar, with serine, which is neutral and polar, at codon 83 of the CAV3 protein (p.Pro83Ser). This variant is not present in population databases (gnomAD no frequency). This variant has not been reported in the literature in individuals affected with CAV3-related conditions. ClinVar contains an entry for this variant (Variation ID: 1025525). An algorithm developed to predict the effect of missense changes on protein structure and function (PolyPhen-2) suggests that this variant is likely to be disruptive. In summary, the available evidence is currently insufficient to determine the role of this variant in disease. Therefore, it has been classified as a Variant of Uncertain Significance.

Fulgent Genetics
Classification: Uncertain significance for Creatine phosphokinase, elevated serum; Hypertrophic cardiomyopathy 1; Rippling muscle disease 2; Long QT syndrome 9; Distal myopathy, Tateyama type. Last evaluated: 2021-11-14. Review status: criteria provided, single submitter. Criteria: ACMG Guidelines, 2015. Collection method: clinical testing. Allele origin: unknown.

NM_033337.3(CAV3):c.247C>T (p.Pro83Ser)

Genes: CAV3 (caveolin 3; plus strand), OXTR (oxytocin receptor; minus strand). Cytogenetic location: 3p25.3.
Variant type: single nucleotide variant.
Coding change: c.247C>T on transcript NM_033337.3 (MANE Select); coding-DNA position 247, C replaced by T.
Protein change: p.Pro83Ser; replaces proline 83 with serine.
Molecular consequence: missense variant.
Genome position (GRCh38, 1-based): chr3:8,745,658, C>T. VCF-style: chr3-8745658-C-T. GRCh37 (hg19) VCF-style: chr3-8787344-C-T.
Other names: c.247C>T, p.Pro83Ser (NM_001234.5); short protein forms P83S.
Identifiers: ClinVar variation 1025525 (VCV001025525.6), dbSNP rs137881434, ClinGen allele CA69870354.